The following is an entry in ClinVar:

ClinVar aggregate classification (germline): Uncertain significance. Review status: criteria provided, multiple submitters, no conflicts (2 of 4 stars). 5 submissions from 5 submitters: Uncertain significance (5). Last evaluated 2026-05-05.

Conditions:
Inborn genetic diseases. Identifiers: MedGen C0950123, MeSH D030342.
MYH14-related disorder. Also called: MYH14-related condition.

Allele frequency attached by ClinVar (database versions not stated): gnomAD exomes below 0.00001; TOPMed below 0.00001; ExAC 0.00002; gnomAD 0.00002; 1000 Genomes Project 0.00020; 1000 Genomes Project 30x 0.00031.
gnomAD v4.1: 9 of 1,613,328 alleles (0.00056%); highest among the groups gnomAD compares: Admixed American, 0.0033%; no homozygotes.

Submissions (5):

Women's Health and Genetics/Laboratory Corporation of America, LabCorp
Classification: Uncertain significance. Last evaluated: 2026-05-05. Review status: criteria provided, single submitter. Criteria: LabCorp Variant Classification Summary - May 2015. Collection method: clinical testing. Allele origin: germline.
Comment: Variant summary: MYH14 c.5702G>A (p.Arg1901Gln) results in a conservative amino acid change in the encoded protein sequence. Algorithms developed to predict the effect of missense changes on protein structure and function are either unavailable or do not agree on the potential impact of this missense change. The variant allele was found at a frequency of 1.6e-05 in 247736 control chromosomes. The available data on variant occurrences in the general population are insufficient to allow any conclusion about variant significance. To our knowledge, no occurrence of c.5702G>A in individuals affected with MYH14-related conditions and no experimental evidence demonstrating its impact on protein function have been reported. ClinVar contains an entry for this variant (Variation ID: 3075844). Based on the evidence outlined above, the variant was classified as uncertain significance.

PreventionGenetics, part of Exact Sciences
Classification: Uncertain significance for MYH14-related condition. Last evaluated: 2025-09-23. Review status: criteria provided, single submitter. Criteria: ACMG Guidelines, 2015. Collection method: clinical testing. Allele origin: germline.
Comment: The MYH14 c.5825G>A variant is predicted to result in the amino acid substitution p.Arg1942Gln. To our knowledge, this variant has not been reported in the literature. This variant is reported in 0.0033% of alleles in individuals of South Asian descent in gnomAD. At this time, the clinical significance of this variant is uncertain due to the absence of conclusive functional and genetic evidence.

Labcorp Genetics (formerly Invitae), Labcorp
Classification: Uncertain significance. Last evaluated: 2024-08-11. Review status: criteria provided, single submitter. Criteria: Invitae Variant Classification Sherloc (09022015). Collection method: clinical testing. Allele origin: germline.
Comment: This sequence change replaces arginine, which is basic and polar, with glutamine, which is neutral and polar, at codon 1901 of the MYH14 protein (p.Arg1901Gln). This variant is present in population databases (rs568453342, gnomAD 0.003%). This variant has not been reported in the literature in individuals affected with MYH14-related conditions. Advanced modeling of protein sequence and biophysical properties (such as structural, functional, and spatial information, amino acid conservation, physicochemical variation, residue mobility, and thermodynamic stability) performed at Invitae indicates that this missense variant is not expected to disrupt MYH14 protein function with a negative predictive value of 80%. In summary, the available evidence is currently insufficient to determine the role of this variant in disease. Therefore, it has been classified as a Variant of Uncertain Significance.

Ambry Genetics
Classification: Uncertain significance for Inborn genetic diseases. Last evaluated: 2024-06-10. Review status: criteria provided, single submitter. Criteria: Ambry Variant Classification Scheme 2023. Collection method: clinical testing. Allele origin: germline.

Laboratory for Molecular Medicine, Mass General Brigham Personalized Medicine
Classification: Uncertain significance. Last evaluated: 2022-03-23. Review status: criteria provided, single submitter. Criteria: ACMG Guidelines, 2015. Collection method: clinical testing. Allele origin: germline.
Comment: The p.Arg1942Gln variant in MYH14 has not been previously reported in individuals with hearing loss but has been identified in 0.003% (1/30562) of South Asian chromosomes by gnomAD. Computational prediction tools and conservation analyses suggest that this variant may impact the protein, though this information is not predictive enough to determine pathogenicity. In summary, the clinical significance of this variant is uncertain. ACMG/AMP Criteria applied: PP3, PM2_P.

NM_001145809.2(MYH14):c.5825G>A (p.Arg1942Gln)

Gene: MYH14 (myosin heavy chain 14; plus strand). Cytogenetic location: 19q13.33.
Variant type: single nucleotide variant.
Coding change: c.5825G>A on transcript NM_001145809.2 (MANE Select); coding-DNA position 5825, G replaced by A.
Protein change: p.Arg1942Gln; replaces arginine 1942 with glutamine.
Molecular consequence: missense variant.
Genome position (GRCh38, 1-based): chr19:50,309,042, G>A. VCF-style: chr19-50309042-G-A. GRCh37 (hg19) VCF-style: chr19-50812299-G-A.
Other names: c.5702G>A (NM_024729.3); c.5825G>A (NM_001145809.1); c.5726G>A, p.Arg1909Gln (NM_001077186.2); c.5702G>A, p.Arg1901Gln (NM_024729.4); short protein forms R1901Q, R1909Q, R1942Q.
Identifiers: ClinVar variation 3075844 (VCV003075844.6), dbSNP rs568453342, ClinGen allele CA9593909.
Genomic context (GRCh38, chr19:50,309,042, plus strand): 5'-CCAGTCCCCCTGCTTCCATCAAGCTGGAGAAGGGAAACCTTCGAGTCAAGCAGCTGAAGC[G>A]GCAGCTGGAGGAGGCCGAGGAGGAGGCATCCCGGGCTCAGGCCGGCCGCCGGAGGCTGCA-3'
Protein context (NP_001139281.1, residues 1932-1952): KGNLRVKQLK[Arg1942Gln]QLEEAEEEAS